The following is an entry in ClinVar:

ClinVar aggregate classification (germline): Uncertain significance. Review status: criteria provided, multiple submitters, no conflicts (2 of 4 stars). 2 submissions from 2 submitters: Uncertain significance (2). Last evaluated 2022-10-06.

Allele frequency attached by ClinVar (database versions not stated): gnomAD exomes below 0.00001; gnomAD 0.00001 and 0.00002; TOPMed 0.00001.
gnomAD v4.1: 5 of 1,210,418 alleles (0.00041%); highest among the groups gnomAD compares: African/African-American, 0.0087%; no homozygotes.

Submissions (2):

Blueprint Genetics
Classification: Uncertain significance. Last evaluated: 2022-10-06. Review status: criteria provided, single submitter. Criteria: ACMG Guidelines, 2015. Collection method: clinical testing. Allele origin: germline.

Labcorp Genetics (formerly Invitae), Labcorp
Classification: Uncertain significance. Last evaluated: 2022-07-18. Review status: criteria provided, single submitter. Criteria: Invitae Variant Classification Sherloc (09022015). Collection method: clinical testing. Allele origin: germline.
Comment: This sequence change replaces arginine, which is basic and polar, with serine, which is neutral and polar, at codon 106 of the RP2 protein (p.Arg106Ser). This variant is not present in population databases (gnomAD no frequency). This variant has not been reported in the literature in individuals affected with RP2-related conditions. ClinVar contains an entry for this variant (Variation ID: 1023249). Algorithms developed to predict the effect of missense changes on protein structure and function (SIFT, PolyPhen-2, Align-GVGD) all suggest that this variant is likely to be tolerated. In summary, the available evidence is currently insufficient to determine the role of this variant in disease. Therefore, it has been classified as a Variant of Uncertain Significance.

NM_006915.3(RP2):c.318A>C (p.Arg106Ser)

Gene: RP2 (RP2 activator of ARL3 GTPase; plus strand). Cytogenetic location: Xp11.3.
Variant type: single nucleotide variant.
Coding change: c.318A>C on transcript NM_006915.3 (MANE Select); coding-DNA position 318, A replaced by C.
Protein change: p.Arg106Ser; replaces arginine 106 with serine.
Molecular consequence: missense variant.
Genome position (GRCh38, 1-based): chrX:46,853,691, A>C. VCF-style: chrX-46853691-A-C. GRCh37 (hg19) VCF-style: chrX-46713126-A-C.
Other names: short protein forms R106S.
Identifiers: ClinVar variation 1023249 (VCV001023249.7), dbSNP rs1924900874, ClinGen allele CA413039270.
Genomic context (GRCh38, chrX:46,853,691, plus strand): 5'-TACTAACTGCATAATTTTTCTGGGACCCGTGAAAGGCAGCGTGTTTTTCCGGAATTGCAG[A>C]GATTGCAAGTGCACATTAGCCTGCCAACAATTTCGTGTGCGAGATTGTAGAAAGCTGGAA-3'
Protein context (NP_008846.2, residues 96-116): VKGSVFFRNC[Arg106Ser]DCKCTLACQQ